The following is an entry in ClinVar:

NM_024989.4(PGAP1):c.1521C>G (p.Ile507Met)

Gene: PGAP1 (post-GPI attachment to proteins inositol deacylase 1; minus strand). Cytogenetic location: 2q33.1.
Variant type: single nucleotide variant.
Coding change: c.1521C>G on transcript NM_024989.4 (MANE Select); coding-DNA position 1521, C replaced by G.
Protein change: p.Ile507Met; replaces isoleucine 507 with methionine.
Molecular consequence: missense variant.
Genome position (GRCh38, 1-based): chr2:196,873,559, G>C on the plus strand (C>G on the coding strand, the complement: PGAP1 is on the minus strand). VCF-style: chr2-196873559-G-C. GRCh37 (hg19) VCF-style: chr2-197738283-G-C.
Other names: c.999C>G, p.Ile333Met (NM_001321099.2); c.354C>G, p.Ile118Met (NM_001321100.2); short protein forms I118M, I333M, I507M.
Identifiers: ClinVar variation 1985509 (VCV001985509.4), dbSNP rs966044727, ClinGen allele CA62784505.

ClinVar aggregate classification (germline): Uncertain significance (1 of 4 stars; one submission).

Conditions:
Intellectual disability, autosomal recessive 42 (NEDDSBA). Also called: GLYCOSYLPHOSPHATIDYLINOSITOL BIOSYNTHESIS DEFECT 9; Neurodevelopmental disorder with dysmorphic features, spasticity, and brain abnormalities. Identifiers: Orphanet 88616, MedGen C4014343, MONDO:0014348, OMIM 615802.

Submission:

Labcorp Genetics (formerly Invitae), Labcorp
Classification: Uncertain significance for Intellectual disability, autosomal recessive 42. Last evaluated: 2022-01-29. Review status: criteria provided, single submitter. Criteria: Invitae Variant Classification Sherloc (09022015). Collection method: clinical testing. Allele origin: germline.
Comment: Algorithms developed to predict the effect of missense changes on protein structure and function are either unavailable or do not agree on the potential impact of this missense change (SIFT: "Deleterious"; PolyPhen-2: "Benign"; Align-GVGD: "Class C0"). This sequence change replaces isoleucine, which is neutral and non-polar, with methionine, which is neutral and non-polar, at codon 507 of the PGAP1 protein (p.Ile507Met). This variant is not present in population databases (gnomAD no frequency). This variant has not been reported in the literature in individuals affected with PGAP1-related conditions. In summary, the available evidence is currently insufficient to determine the role of this variant in disease. Therefore, it has been classified as a Variant of Uncertain Significance.